The following is an entry in ClinVar:

ClinVar aggregate classification (germline): Uncertain significance (1 of 4 stars; one submission).

gnomAD v4.1: 3 of 1,613,754 alleles (0.00019%); highest among the groups gnomAD compares: Non-Finnish European, 0.00025%; no homozygotes.

Submission:

Labcorp Genetics (formerly Invitae), Labcorp
Classification: Uncertain significance. Last evaluated: 2024-02-06. Review status: criteria provided, single submitter. Criteria: Invitae Variant Classification Sherloc (09022015). Collection method: clinical testing. Allele origin: germline.
Comment: This sequence change replaces asparagine, which is neutral and polar, with aspartic acid, which is acidic and polar, at codon 683 of the NEDD4L protein (p.Asn683Asp). This variant is not present in population databases (gnomAD no frequency). This variant has not been reported in the literature in individuals affected with NEDD4L-related conditions. Advanced modeling of protein sequence and biophysical properties (such as structural, functional, and spatial information, amino acid conservation, physicochemical variation, residue mobility, and thermodynamic stability) has been performed at Invitae for this missense variant, however the output from this modeling did not meet the statistical confidence thresholds required to predict the impact of this variant on NEDD4L protein function. In summary, the available evidence is currently insufficient to determine the role of this variant in disease. Therefore, it has been classified as a Variant of Uncertain Significance.

NM_001144967.3(NEDD4L):c.2107A>G (p.Asn703Asp)

Gene: NEDD4L (NEDD4 like E3 ubiquitin protein ligase; plus strand). Cytogenetic location: 18q21.31.
Variant type: single nucleotide variant.
Coding change: c.2107A>G on transcript NM_001144967.3 (MANE Select); coding-DNA position 2107, A replaced by G.
Protein change: p.Asn703Asp; replaces asparagine 703 with aspartic acid.
Molecular consequence: missense variant.
Genome position (GRCh38, 1-based): chr18:58,367,789, A>G. VCF-style: chr18-58367789-A-G. GRCh37 (hg19) VCF-style: chr18-56035021-A-G.
Other names: c.2083A>G, p.Asn695Asp (NM_001144968.2); c.1684A>G, p.Asn562Asp (NM_001144971.2, NM_001144970.3); c.1915A>G, p.Asn639Asp (NM_001243960.2); c.2047A>G, p.Asn683Asp (NM_015277.6); c.2023A>G, p.Asn675Asp (NM_001144969.2); c.1744A>G, p.Asn582Asp (NM_001144964.1, NM_001144965.2, NM_001144966.3); short protein forms N639D, N683D, N695D, N582D, N675D, N562D, N703D.
Identifiers: ClinVar variation 3715983 (VCV003715983.2).